The following is an entry in ClinVar:

NM_144687.4(NLRP12):c.355G>T (p.Val119Phe)

Gene: NLRP12 (NLR family pyrin domain containing 12; minus strand). Cytogenetic location: 19q13.42.
Variant type: single nucleotide variant.
Coding change: c.355G>T on transcript NM_144687.4 (MANE Select); coding-DNA position 355, G replaced by T.
Protein change: p.Val119Phe; replaces valine 119 with phenylalanine.
Molecular consequence: missense variant.
Genome position (GRCh38, 1-based): chr19:53,814,923, C>A on the plus strand (G>T on the coding strand, the complement: NLRP12 is on the minus strand). VCF-style: chr19-53814923-C-A. GRCh37 (hg19) VCF-style: chr19-54318177-C-A.
Other names: c.355G>T, p.Val119Phe (NM_001277126.2, NM_001277129.1); short protein forms V119F.
Identifiers: ClinVar variation 2001376 (VCV002001376.4), dbSNP rs1434080724, ClinGen allele CA407417615.

ClinVar aggregate classification (germline): Uncertain significance (1 of 4 stars; one submission).

Conditions:
Familial cold autoinflammatory syndrome 2 (FCAS2). Identifiers: Orphanet 247868, MedGen C2673198, MONDO:0012724, OMIM 611762.

gnomAD v4.1: 1 of 1,613,940 alleles (0.000062%); no homozygotes.

Submission:

Labcorp Genetics (formerly Invitae), Labcorp
Classification: Uncertain significance for Familial cold autoinflammatory syndrome 2. Last evaluated: 2022-05-31. Review status: criteria provided, single submitter. Criteria: Invitae Variant Classification Sherloc (09022015). Collection method: clinical testing. Allele origin: germline.
Comment: This sequence change replaces valine, which is neutral and non-polar, with phenylalanine, which is neutral and non-polar, at codon 119 of the NLRP12 protein (p.Val119Phe). This variant is not present in population databases (gnomAD no frequency). This variant has not been reported in the literature in individuals affected with NLRP12-related conditions. Algorithms developed to predict the effect of missense changes on protein structure and function (SIFT, PolyPhen-2, Align-GVGD) all suggest that this variant is likely to be tolerated. In summary, the available evidence is currently insufficient to determine the role of this variant in disease. Therefore, it has been classified as a Variant of Uncertain Significance.